The following is an entry in ClinVar:

NM_000528.4(MAN2B1):c.1345G>A (p.Val449Ile)

Genes: MAN2B1 (mannosidase alpha class 2B member 1; minus strand), LOC129391064 (MPRA-validated peak3365 silencer; plus strand). Cytogenetic location: 19p13.13.
Variant type: single nucleotide variant.
Coding change: c.1345G>A on transcript NM_000528.4 (MANE Select); coding-DNA position 1345, G replaced by A.
Protein change: p.Val449Ile; replaces valine 449 with isoleucine.
Molecular consequence: missense variant.
Genome position (GRCh38, 1-based): chr19:12,657,520, C>T on the plus strand (G>A on the coding strand, the complement: MAN2B1 is on the minus strand). VCF-style: chr19-12657520-C-T. GRCh37 (hg19) VCF-style: chr19-12768334-C-T.
Other names: c.1342G>A, p.Val448Ile (NM_001173498.2); short protein forms V448I, V449I.
Identifiers: ClinVar variation 1377871 (VCV001377871.5), dbSNP rs764898305, ClinGen allele CA9226483.

ClinVar aggregate classification (germline): Uncertain significance. Review status: criteria provided, multiple submitters, no conflicts (2 of 4 stars). 2 submissions from 2 submitters: Uncertain significance (2). Last evaluated 2026-01-21.

Conditions:
Deficiency of alpha-mannosidase (MANSA). Also called: Alpha-Mannosidosis; Mannosidosis, alpha-, types I and II; LYSOSOMAL ALPHA-D-MANNOSIDASE DEFICIENCY. Identifiers: Orphanet 61, MedGen C0024748, MONDO:0009561, OMIM 248500.

Allele frequency attached by ClinVar (database versions not stated): gnomAD 0.00001; gnomAD exomes 0.00001 and 0.00002; ExAC 0.00005.
gnomAD v4.1: 12 of 1,565,536 alleles (0.00077%); highest among the groups gnomAD compares: Middle Eastern, 0.035%; no homozygotes.

Submissions (2):

Labcorp Genetics (formerly Invitae), Labcorp
Classification: Uncertain significance for Deficiency of alpha-mannosidase. Last evaluated: 2026-01-21. Review status: criteria provided, single submitter. Criteria: Invitae Variant Classification Sherloc (09022015). Collection method: clinical testing. Allele origin: germline.
Comment: This sequence change replaces valine, which is neutral and non-polar, with isoleucine, which is neutral and non-polar, at codon 449 of the MAN2B1 protein (p.Val449Ile). The frequency data for this variant in the population databases is considered unreliable, as metrics indicate poor data quality at this position in the gnomAD database. This missense change has been observed in individual(s) with clinical suspicion of alpha mannosidosis (PMID: 32331969). ClinVar contains an entry for this variant (Variation ID: 1377871). Invitae Evidence Modeling of protein sequence and biophysical properties (such as structural, functional, and spatial information, amino acid conservation, physicochemical variation, residue mobility, and thermodynamic stability) indicates that this missense variant is not expected to disrupt MAN2B1 protein function with a negative predictive value of 95%. In summary, the available evidence is currently insufficient to determine the role of this variant in disease. Therefore, it has been classified as a Variant of Uncertain Significance.

Breakthrough Genomics
Classification: Uncertain significance. Review status: criteria provided, single submitter. Criteria: ACMG Guidelines, 2015. Collection method: not provided. Allele origin: germline. Inheritance: Autosomal recessive inheritance. Affected: yes.

Literature cited by the submitters: PubMed 32331969 (cited by Labcorp Genetics (formerly Invitae), Labcorp).